The following is an entry in ClinVar:

ClinVar aggregate classification (germline): Uncertain significance (1 of 4 stars; one submission).

Conditions:
Inborn genetic diseases. Identifiers: MedGen C0950123, MeSH D030342.

gnomAD v4.1: 1 of 1,613,888 alleles (0.000062%); no homozygotes.

Submission:

Ambry Genetics
Classification: Uncertain significance for Inborn genetic diseases. Last evaluated: 2023-02-20. Review status: criteria provided, single submitter. Criteria: Ambry Variant Classification Scheme 2023. Collection method: clinical testing. Allele origin: germline.
Comment: The p.M283V variant (also known as c.847A>G), located in coding exon 4 of the ATR gene, results from an A to G substitution at nucleotide position 847. The methionine at codon 283 is replaced by valine, an amino acid with highly similar properties. This amino acid position is conserved. In addition, this alteration is predicted to be tolerated by in silico analysis. Since supporting evidence is limited at this time, the clinical significance of this alteration remains unclear.

NM_001184.4(ATR):c.847A>G (p.Met283Val)

Gene: ATR (ATR checkpoint kinase; minus strand). Cytogenetic location: 3q23.
Variant type: single nucleotide variant.
Coding change: c.847A>G on transcript NM_001184.4 (MANE Select); coding-DNA position 847, A replaced by G.
Protein change: p.Met283Val; replaces methionine 283 with valine.
Molecular consequence: missense variant.
Genome position (GRCh38, 1-based): chr3:142,562,555, T>C on the plus strand (A>G on the coding strand, the complement: ATR is on the minus strand). VCF-style: chr3-142562555-T-C. GRCh37 (hg19) VCF-style: chr3-142281397-T-C.
Other names: c.847A>G, p.Met283Val (NM_001354579.2); short protein forms M283V.
Identifiers: ClinVar variation 2447370 (VCV002447370.2), dbSNP rs1559998542, ClinGen allele CA354825269.